The following is an entry in ClinVar:

ClinVar aggregate classification (germline): Uncertain significance (1 of 4 stars; one submission).

gnomAD v4.1: 1 of 1,614,150 alleles (0.000062%); highest among the groups gnomAD compares: Non-Finnish European, 0.000085%; no homozygotes.

Submission:

Ambry Genetics
Classification: Uncertain significance. Last evaluated: 2024-10-29. Review status: criteria provided, single submitter. Criteria: Ambry Variant Classification Scheme 2023. Collection method: clinical testing. Allele origin: germline.
Comment: The p.G797D variant (also known as c.2390G>A), located in coding exon 13 of the NPAT gene, results from a G to A substitution at nucleotide position 2390. The glycine at codon 797 is replaced by aspartic acid, an amino acid with similar properties. This amino acid position is conserved. In addition, this alteration is predicted to be tolerated by in silico analysis. Based on the available evidence, the clinical significance of this variant remains unclear.

NM_002519.3(NPAT):c.2390G>A (p.Gly797Asp)

Gene: NPAT (nuclear protein, coactivator of histone transcription; minus strand). Cytogenetic location: 11q22.3.
Variant type: single nucleotide variant.
Coding change: c.2390G>A on transcript NM_002519.3 (MANE Select); coding-DNA position 2390, G replaced by A.
Protein change: p.Gly797Asp; replaces glycine 797 with aspartic acid.
Molecular consequence: missense variant.
Genome position (GRCh38, 1-based): chr11:108,172,594, C>T on the plus strand (G>A on the coding strand, the complement: NPAT is on the minus strand). VCF-style: chr11-108172594-C-T. GRCh37 (hg19) VCF-style: chr11-108043321-C-T.
Other names: c.2390G>A, p.Gly797Asp (NM_001321307.1); short protein forms G797D.
Identifiers: ClinVar variation 3407258 (VCV003407258.1).